The following is an entry in ClinVar:

NM_004612.4(TGFBR1):c.400G>C (p.Val134Leu)

Gene: TGFBR1 (transforming growth factor beta receptor 1; plus strand). Cytogenetic location: 9q22.33.
Variant type: single nucleotide variant.
Coding change: c.400G>C on transcript NM_004612.4 (MANE Select); coding-DNA position 400, G replaced by C.
Protein change: p.Val134Leu; replaces valine 134 with leucine.
Molecular consequence: missense variant. On other transcripts: non-coding transcript variant (4), intron variant (3).
Genome position (GRCh38, 1-based): chr9:99,132,565, G>C. VCF-style: chr9-99132565-G-C. GRCh37 (hg19) VCF-style: chr9-101894847-G-C.
Other names: c.412G>C, p.Val138Leu (NM_001306210.2, NM_001407416.1); c.400G>C, p.Val134Leu (NM_001407417.1, NM_001407435.1); c.205G>C, p.Val69Leu (NM_001407418.1, NM_001407419.1, NM_001407420.1 and 1 more transcripts); c.193G>C, p.Val65Leu (NM_001407423.1, NM_001407424.1, NM_001407425.1 and 8 more transcripts); c.154G>C, p.Val52Leu (NM_001407436.1); c.343+3465G>C (NM_001130916.3); c.98-5294G>C (NM_001407438.1); c.98-9971G>C (NM_001407437.1); short protein forms V52L, V138L, V65L, V134L, V69L.
Identifiers: ClinVar variation 2760272 (VCV002760272.3), dbSNP rs730880222, ClinGen allele CA374227909.
Genomic context (GRCh38, chr9:99,132,565, plus strand): 5'-TCAGTAAAGTCATCACCTGGCCTTGGTCCTGTGGAACTGGCAGCTGTCATTGCTGGACCA[G>C]TGTGCTTCGTCTGCATCTCACTCATGTTGATGGTCTATATCTGCCACAACCGCACTGTCA-3'
Protein context (NP_004603.1, residues 124-144): VELAAVIAGP[Val134Leu]CFVCISLMLM

ClinVar aggregate classification (germline): Uncertain significance (1 of 4 stars; one submission).

Conditions:
Familial thoracic aortic aneurysm and aortic dissection (TAAD). Also called: Thoracic aortic aneurysms and dissections. Identifiers: Orphanet 91387, MedGen C4707243, MONDO:0019625.

gnomAD v4.1: 1 of 1,614,168 alleles (0.000062%); highest among the groups gnomAD compares: African/African-American, 0.0013%; no homozygotes.

Submission:

Labcorp Genetics (formerly Invitae), Labcorp
Classification: Uncertain significance for Familial thoracic aortic aneurysm and aortic dissection. Last evaluated: 2023-10-12. Review status: criteria provided, single submitter. Criteria: Invitae Variant Classification Sherloc (09022015). Collection method: clinical testing. Allele origin: germline.
Comment: This sequence change replaces valine, which is neutral and non-polar, with leucine, which is neutral and non-polar, at codon 134 of the TGFBR1 protein (p.Val134Leu). This variant is not present in population databases (gnomAD no frequency). This variant has not been reported in the literature in individuals affected with TGFBR1-related conditions. Advanced modeling of protein sequence and biophysical properties (such as structural, functional, and spatial information, amino acid conservation, physicochemical variation, residue mobility, and thermodynamic stability) performed at Invitae indicates that this missense variant is not expected to disrupt TGFBR1 protein function. In summary, the available evidence is currently insufficient to determine the role of this variant in disease. Therefore, it has been classified as a Variant of Uncertain Significance.